The following is an entry in ClinVar:

ClinVar aggregate classification (germline): Uncertain significance (1 of 4 stars; one submission).

Allele frequency attached by ClinVar (database versions not stated): ExAC 0.00002.
gnomAD v4.1: 9 of 1,613,716 alleles (0.00056%); highest among the groups gnomAD compares: South Asian, 0.0044%; no homozygotes.

Submission:

Ambry Genetics
Classification: Uncertain significance. Last evaluated: 2024-09-09. Review status: criteria provided, single submitter. Criteria: Ambry Variant Classification Scheme 2023. Collection method: clinical testing. Allele origin: germline.
Comment: The p.R716W variant (also known as c.2146C>T), located in coding exon 18 of the RAD54L gene, results from a C to T substitution at nucleotide position 2146. The arginine at codon 716 is replaced by tryptophan, an amino acid with dissimilar properties. This amino acid position is conserved. In addition, this alteration is predicted to be tolerated by in silico analysis. Since supporting evidence is limited at this time, the clinical significance of this alteration remains unclear.

NM_003579.4(RAD54L):c.2146C>T (p.Arg716Trp)

Genes: LRRC41 (leucine rich repeat containing 41; minus strand), RAD54L (RAD54 like; plus strand). Cytogenetic location: 1p34.1.
Variant type: single nucleotide variant.
Coding change: c.2146C>T on transcript NM_003579.4 (MANE Select); coding-DNA position 2146, C replaced by T.
Protein change: p.Arg716Trp; replaces arginine 716 with tryptophan.
Molecular consequence: missense variant. On other transcripts: 3 prime UTR variant (1).
Genome position (GRCh38, 1-based): chr1:46,278,184, C>T. VCF-style: chr1-46278184-C-T. GRCh37 (hg19) VCF-style: chr1-46743856-C-T.
Other names: c.*681G>A (NM_006369.5); c.2146C>T, p.Arg716Trp (NM_001142548.2); c.1606C>T, p.Arg536Trp (NM_001370766.1); short protein forms R536W, R716W.
Identifiers: ClinVar variation 1786654 (VCV001786654.3), dbSNP rs762444770, ClinGen allele CA834828.